The following is an entry in ClinVar:

ClinVar aggregate classification (germline): Uncertain significance. Review status: criteria provided, multiple submitters, no conflicts (2 of 4 stars). 2 submissions from 2 submitters: Uncertain significance (2). Last evaluated 2025-09-24.

Conditions:
Jeune thoracic dystrophy. Also called: Jeune syndrome; Infantile thoracic dystrophy; Thoracic pelvic phalangeal dystrophy; Jeune's syndrome; Chondroectodermal dysplasia-like syndrome; Short-rib thoracic dysplasia. Identifiers: Orphanet 474, MedGen C0265275, MONDO:0018770.
Inborn genetic diseases. Identifiers: MedGen C0950123, MeSH D030342.

Allele frequency attached by ClinVar (database versions not stated): TOPMed below 0.00001; gnomAD exomes 0.00001; ExAC 0.00002.
gnomAD v4.1: 10 of 1,612,534 alleles (0.00062%); highest among the groups gnomAD compares: South Asian, 0.0099%; no homozygotes.

Submissions (2):

Ambry Genetics
Classification: Uncertain significance for Inborn genetic diseases. Last evaluated: 2025-09-24. Review status: criteria provided, single submitter. Criteria: Ambry Variant Classification Scheme 2023. Collection method: clinical testing. Allele origin: germline.

Labcorp Genetics (formerly Invitae), Labcorp
Classification: Uncertain significance for Jeune thoracic dystrophy. Last evaluated: 2022-05-27. Review status: criteria provided, single submitter. Criteria: Invitae Variant Classification Sherloc (09022015). Collection method: clinical testing. Allele origin: germline.
Comment: This sequence change replaces valine, which is neutral and non-polar, with alanine, which is neutral and non-polar, at codon 4152 of the DYNC2H1 protein (p.Val4152Ala). This variant is present in population databases (rs751791436, gnomAD 0.01%). This variant has not been reported in the literature in individuals affected with DYNC2H1-related conditions. Advanced modeling of protein sequence and biophysical properties (such as structural, functional, and spatial information, amino acid conservation, physicochemical variation, residue mobility, and thermodynamic stability) performed at Invitae indicates that this missense variant is not expected to disrupt DYNC2H1 protein function. In summary, the available evidence is currently insufficient to determine the role of this variant in disease. Therefore, it has been classified as a Variant of Uncertain Significance.

NM_001377.3(DYNC2H1):c.12434T>C (p.Val4145Ala)

Gene: DYNC2H1 (dynein cytoplasmic 2 heavy chain 1; plus strand). Cytogenetic location: 11q22.3.
Variant type: single nucleotide variant.
Coding change: c.12434T>C on transcript NM_001377.3 (MANE Select); coding-DNA position 12434, T replaced by C.
Protein change: p.Val4145Ala; replaces valine 4145 with alanine.
Molecular consequence: missense variant.
Genome position (GRCh38, 1-based): chr11:103,436,010, T>C. VCF-style: chr11-103436010-T-C. GRCh37 (hg19) VCF-style: chr11-103306738-T-C.
Other names: c.12455T>C, p.Val4152Ala (NM_001080463.2); c.12455T>C (NM_001080463.1); short protein forms V4145A, V4152A.
Identifiers: ClinVar variation 1990138 (VCV001990138.2), dbSNP rs751791436, ClinGen allele CA6255551.